The following is an entry in ClinVar:

ClinVar aggregate classification (germline): Uncertain significance (1 of 4 stars; one submission).

gnomAD v4.1: 15 of 1,614,162 alleles (0.00093%); highest among the groups gnomAD compares: Non-Finnish European, 0.0013%; no homozygotes.

Submission:

GeneDx
Classification: Uncertain significance. Last evaluated: 2024-09-24. Review status: criteria provided, single submitter. Criteria: GeneDx Variant Classification Process June 2021. Collection method: clinical testing. Allele origin: germline. Affected: yes.
Comment: Not observed at significant frequency in large population cohorts (gnomAD); In silico analysis supports that this missense variant has a deleterious effect on protein structure/function; Has not been previously published as pathogenic or benign to our knowledge

NM_005559.4(LAMA1):c.8440G>T (p.Asp2814Tyr)

Gene: LAMA1 (laminin subunit alpha 1; minus strand). Cytogenetic location: 18p11.31.
Variant type: single nucleotide variant.
Coding change: c.8440G>T on transcript NM_005559.4 (MANE Select); coding-DNA position 8440, G replaced by T.
Protein change: p.Asp2814Tyr; replaces aspartic acid 2814 with tyrosine.
Molecular consequence: missense variant.
Genome position (GRCh38, 1-based): chr18:6,949,217, C>A on the plus strand (G>T on the coding strand, the complement: LAMA1 is on the minus strand). VCF-style: chr18-6949217-C-A. GRCh37 (hg19) VCF-style: chr18-6949216-C-A.
Other names: short protein forms D2814Y.
Identifiers: ClinVar variation 3774645 (VCV003774645.1).